The following is an entry in ClinVar:

NM_001371986.1(UNC80):c.6039del (p.Met2014fs)

Gene: UNC80 (unc-80 subunit of NALCN channel complex; plus strand). Cytogenetic location: 2q34.
Variant type: Deletion.
Coding change: c.6039del on transcript NM_001371986.1 (MANE Select); coding-DNA position 6039, one base deleted (G; older notation c.6039delG).
Protein change: p.Met2014fs; shifts the reading frame from methionine 2014.
Molecular consequence: frameshift variant.
Genome position (GRCh38, 1-based): chr2:209,933,866, G deleted; the last of 5 consecutive G bases (chr2:209,933,862-209,933,866); deleting any one gives the same sequence. VCF-style (leftmost placement, unchanged base first): chr2-209933861-TG-T. GRCh37 (hg19) VCF-style: chr2-210798585-TG-T.
Other names: c.5841del, p.Met1948fs (NM_032504.2); c.5826del, p.Met1943fs (NM_182587.4); short protein forms M2014fs, M1943fs, M1948fs.
Identifiers: ClinVar variation 3692534 (VCV003692534.2).

ClinVar aggregate classification (germline): Pathogenic (1 of 4 stars; one submission).

Submission:

Labcorp Genetics (formerly Invitae), Labcorp
Classification: Pathogenic. Last evaluated: 2024-09-30. Review status: criteria provided, single submitter. Criteria: Invitae Variant Classification Sherloc (09022015). Collection method: clinical testing. Allele origin: germline.
Comment: This sequence change creates a premature translational stop signal (p.Met1948Trpfs*8) in the UNC80 gene. It is expected to result in an absent or disrupted protein product. Loss-of-function variants in UNC80 are known to be pathogenic (PMID: 26545877, 26708751, 26708753). This variant is not present in population databases (gnomAD no frequency). This variant has not been reported in the literature in individuals affected with UNC80-related conditions. For these reasons, this variant has been classified as Pathogenic.

Literature cited by the submitters: PubMed 26545877; PubMed 26708751; PubMed 26708753.